The following is an entry in ClinVar:

NM_000051.4(ATM):c.1056_1057del (p.Ile352fs)

Gene: ATM (ATM serine/threonine kinase; plus strand). Cytogenetic location: 11q22.3.
Variant type: Deletion.
Coding change: c.1056_1057del on transcript NM_000051.4 (MANE Select); coding-DNA positions 1056 to 1057, 2 bases deleted (CT; older notation c.1056_1057delCT).
Protein change: p.Ile352fs; shifts the reading frame from isoleucine 352.
Molecular consequence: frameshift variant.
Genome position (GRCh38, 1-based): chr11:108,247,118-108,247,119, CT deleted; deleting any 2 consecutive bases within chr11:108,247,117-108,247,119 gives the same sequence; the c. name uses the placement nearest the transcript's 3' end. VCF-style (leftmost placement, unchanged base first): chr11-108247116-ATC-A. GRCh37 (hg19) VCF-style: chr11-108117843-ATC-A.
Other names: c.1056_1057del, p.Ile352fs (NM_001351834.2); short protein forms I352fs.
Identifiers: ClinVar variation 822090 (VCV000822090.4), dbSNP rs1591511511, ClinGen allele CA915947728.

ClinVar aggregate classification (germline): Pathogenic (1 of 4 stars; one submission).

Conditions:
Hereditary cancer-predisposing syndrome. Also called: Tumor predisposition; Hereditary Cancer Syndrome; Neoplastic Syndromes, Hereditary; Hereditary neoplastic syndrome. Identifiers: Orphanet 140162, MedGen C0027672, MeSH D009386, MONDO:0015356.

Submission:

Ambry Genetics
Classification: Pathogenic for Hereditary cancer-predisposing syndrome. Last evaluated: 2019-09-10. Review status: criteria provided, single submitter. Criteria: Ambry Variant Classification Scheme 2023. Collection method: clinical testing. Allele origin: germline.
Comment: The c.1056_1057delCT pathogenic mutation, located in coding exon 7 of the ATM gene, results from a deletion of two nucleotides at nucleotide positions 1056 to 1057, causing a translational frameshift with a predicted alternate stop codon (p.I352Mfs*6). This alteration is expected to result in loss of function by premature protein truncation or nonsense-mediated mRNA decay. As such, this alteration is interpreted as a disease-causing mutation.